The following is an entry in ClinVar:

NM_000038.6(APC):c.7666T>A (p.Ser2556Thr)

Gene: APC (APC regulator of Wnt signaling pathway; plus strand). Cytogenetic location: 5q22.2.
Variant type: single nucleotide variant.
Coding change: c.7666T>A on transcript NM_000038.6 (MANE Select); coding-DNA position 7666, T replaced by A.
Protein change: p.Ser2556Thr; replaces serine 2556 with threonine.
Molecular consequence: missense variant. On other transcripts: non-coding transcript variant (2).
Genome position (GRCh38, 1-based): chr5:112,843,260, T>A. VCF-style: chr5-112843260-T-A. GRCh37 (hg19) VCF-style: chr5-112178957-T-A.
Other names: c.7645T>A, p.Ser2549Thr (NM_001407451.1); c.7636T>A, p.Ser2546Thr (NM_001407452.1); c.7489T>A, p.Ser2497Thr (NM_001407453.1, NM_001354901.2); c.7417T>A, p.Ser2473Thr (NM_001407454.1, NM_001407455.1, NM_001407456.1 and 1 more transcripts); c.7363T>A, p.Ser2455Thr (NM_001407458.1, NM_001407459.1, NM_001407460.1 and 1 more transcripts); c.7279T>A, p.Ser2427Thr (NM_001407467.1, NM_001407469.1); c.6817T>A, p.Ser2273Thr (NM_001407470.1, NM_001354906.2); c.6514T>A, p.Ser2172Thr (NM_001407471.1, NM_001407472.1); and 11 more; short protein forms S2396T, S2497T, S2528T, S2546T, S2556T, S2172T, S2430T, S2473T.
Identifiers: ClinVar variation 4843526 (VCV004843526.1).

ClinVar aggregate classification (germline): Uncertain significance (1 of 4 stars; one submission).

Conditions:
Hereditary cancer-predisposing syndrome. Also called: Neoplastic Syndromes, Hereditary; Tumor predisposition; Hereditary Cancer Syndrome; Hereditary neoplastic syndrome. Identifiers: Orphanet 140162, MedGen C0027672, MeSH D009386, MONDO:0015356.

Submission:

Ambry Genetics
Classification: Uncertain significance for Hereditary cancer-predisposing syndrome. Last evaluated: 2025-12-23. Review status: criteria provided, single submitter. Criteria: Ambry Variant Classification Scheme 2023. Collection method: clinical testing. Allele origin: germline.
Comment: The p.S2556T variant (also known as c.7666T>A), located in coding exon 15 of the APC gene, results from a T to A substitution at nucleotide position 7666. The serine at codon 2556 is replaced by threonine, an amino acid with similar properties. This amino acid position is conserved. In addition, in silico predictors for this gene do not accurately predict pathogenicity. Based on the available evidence, the clinical significance of this variant remains unclear.